The following is an entry in ClinVar:

ClinVar aggregate classification (germline): Uncertain significance (1 of 4 stars; one submission).

Allele frequency attached by ClinVar (database versions not stated): gnomAD exomes below 0.00001; TOPMed below 0.00001; gnomAD 0.00001; ExAC 0.00002; 1000 Genomes Project 30x 0.00016; 1000 Genomes Project 0.00020.
gnomAD v4.1: 8 of 1,613,788 alleles (0.0005%); highest among the groups gnomAD compares: Middle Eastern, 0.016%; no homozygotes.

Submission:

Labcorp Genetics (formerly Invitae), Labcorp
Classification: Uncertain significance. Last evaluated: 2022-05-17. Review status: criteria provided, single submitter. Criteria: Invitae Variant Classification Sherloc (09022015). Collection method: clinical testing. Allele origin: germline.
Comment: In summary, the available evidence is currently insufficient to determine the role of this variant in disease. Therefore, it has been classified as a Variant of Uncertain Significance. Algorithms developed to predict the effect of missense changes on protein structure and function are either unavailable or do not agree on the potential impact of this missense change (SIFT: "Deleterious"; PolyPhen-2: "Benign"; Align-GVGD: "Class C35"). This variant has not been reported in the literature in individuals affected with TTLL5-related conditions. This variant is present in population databases (rs561027697, gnomAD 0.003%). This sequence change replaces arginine, which is basic and polar, with glutamine, which is neutral and polar, at codon 479 of the TTLL5 protein (p.Arg479Gln).

NM_015072.5(TTLL5):c.1436G>A (p.Arg479Gln)

Gene: TTLL5 (tubulin tyrosine ligase like 5; plus strand). Cytogenetic location: 14q24.3.
Variant type: single nucleotide variant.
Coding change: c.1436G>A on transcript NM_015072.5 (MANE Select); coding-DNA position 1436, G replaced by A.
Protein change: p.Arg479Gln; replaces arginine 479 with glutamine.
Molecular consequence: missense variant.
Genome position (GRCh38, 1-based): chr14:75,745,530, G>A. VCF-style: chr14-75745530-G-A. GRCh37 (hg19) VCF-style: chr14-76211873-G-A.
Other names: short protein forms R479Q.
Identifiers: ClinVar variation 1908962 (VCV001908962.5), dbSNP rs561027697, ClinGen allele CA7279386.